The following is an entry in ClinVar:

ClinVar aggregate classification (germline): Benign. Review status: criteria provided, multiple submitters, no conflicts (2 of 4 stars). 21 submissions from 19 submitters: Benign (15). 6 of the submissions do not count toward it. Last evaluated 2026-02-04.

Conditions:
Cardiovascular phenotype. Identifiers: MedGen CN230736.
Arrhythmogenic right ventricular dysplasia 8 (ARVD8). Also called: ARRHYTHMOGENIC RIGHT VENTRICULAR DYSPLASIA, FAMILIAL, 8; ARRHYTHMOGENIC RIGHT VENTRICULAR CARDIOMYOPATHY 8; Arrhythmogenic Right Ventricular Dysplasia/Cardiomyopathy 8. Identifiers: MedGen C1843896, MONDO:0011831, OMIM 607450.
Arrhythmogenic cardiomyopathy with wooly hair and keratoderma. Also called: Dilated cardiomyopathy with woolly hair and keratoderma; Arrhythmogenic cardiomyopathy with woolly hair and keratoderma; PALMOPLANTAR KERATODERMA WITH LEFT VENTRICULAR CARDIOMYOPATHY AND WOOLLY HAIR; Carvajal syndrome. Identifiers: Orphanet 65282, MedGen C1854063, MONDO:0011581, OMIM 605676.
Cardiomyopathy (CMYO). Also called: Cardiomyopathies. Identifiers: Orphanet 167848, MedGen C0878544, MONDO:0004994, HP:0001638. Inheritance: Various modes of inheritance.
Lethal acantholytic epidermolysis bullosa (EBLA). Identifiers: Orphanet 158687, MedGen C1864826, MONDO:0012323, OMIM 609638.
Woolly hair-skin fragility syndrome (WHSF). Identifiers: Orphanet 293165, MedGen C1843292, MONDO:0957307, OMIM 620415.

Allele frequency attached by ClinVar (database versions not stated): gnomAD exomes 0.17225; ExAC 0.17241; ESP Exome Variant Server 0.19414; gnomAD 0.19612 and 0.19646; TOPMed 0.20091; 1000 Genomes Project 0.24042; 1000 Genomes Project 30x 0.24422.

Submissions (21):

Labcorp Genetics (formerly Invitae), Labcorp
Classification: Benign for Arrhythmogenic cardiomyopathy with wooly hair and keratoderma; Arrhythmogenic right ventricular dysplasia 8. Last evaluated: 2026-02-04. Review status: criteria provided, single submitter. Criteria: Invitae Variant Classification Sherloc (09022015). Collection method: clinical testing. Allele origin: germline.

ARUP Laboratories, Molecular Genetics and Genomics, ARUP Laboratories
Classification: Benign. Last evaluated: 2025-07-22. Review status: criteria provided, single submitter. Criteria: ARUP Molecular Germline Variant Investigation Process 2024. Collection method: clinical testing. Allele origin: germline.

Molecular Diagnostic Laboratory for Inherited Cardiovascular Disease, Montreal Heart Institute
Classification: Benign. Last evaluated: 2025-02-17. Review status: criteria provided, single submitter. Criteria: ACMG Guidelines, 2015. Collection method: clinical testing. Allele origin: germline. Affected: no.

Blueprint Genetics
Classification: Benign. Last evaluated: 2024-11-26. Review status: criteria provided, single submitter. Criteria: ACMG Guidelines, 2015. Collection method: clinical testing. Allele origin: germline.

Color Diagnostics, LLC DBA Color Health
Classification: Benign for Cardiomyopathy. Last evaluated: 2018-03-15. Review status: criteria provided, single submitter. Criteria: ACMG Guidelines, 2015. Collection method: clinical testing. Allele origin: germline.

Illumina Laboratory Services, Illumina
Classification: Benign for Lethal acantholytic epidermolysis bullosa. Last evaluated: 2018-01-13. Review status: criteria provided, single submitter. Criteria: ICSL Variant Classification Criteria 13 December 2019. Collection method: clinical testing. Allele origin: germline.
Comment: This variant was observed in the ICSL laboratory as part of a predisposition screen in an ostensibly healthy population. It had not been previously curated by ICSL or reported in the Human Gene Mutation Database (HGMD: prior to June 1st, 2018), and was therefore a candidate for classification through an automated scoring system. Utilizing variant allele frequency, disease prevalence and penetrance estimates, and inheritance mode, an automated score was calculated to assess if this variant is too frequent to cause the disease. Based on the score and internal cut-off values, a variant classified as benign is not then subjected to further curation. The score for this variant resulted in a classification of benign for this disease.

Illumina Laboratory Services, Illumina
Classification: Benign for Arrhythmogenic cardiomyopathy with wooly hair and keratoderma. Last evaluated: 2018-01-13. Review status: criteria provided, single submitter. Criteria: ICSL Variant Classification Criteria 13 December 2019. Collection method: clinical testing. Allele origin: germline.
Comment: the same text as in the submission from Illumina Laboratory Services, Illumina above.

Illumina Laboratory Services, Illumina
Classification: Benign for Arrhythmogenic right ventricular dysplasia 8. Last evaluated: 2018-01-13. Review status: criteria provided, single submitter. Criteria: ICSL Variant Classification Criteria 13 December 2019. Collection method: clinical testing. Allele origin: germline.
Comment: the same text as in the submission from Illumina Laboratory Services, Illumina above.

Center for Pediatric Genomic Medicine, Children's Mercy Hospital and Clinics
Classification: Benign. Last evaluated: 2016-07-22. Review status: criteria provided, single submitter. Criteria: ACMG Guidelines, 2015. Collection method: clinical testing. Allele origin: germline.

Ambry Genetics
Classification: Benign for Cardiovascular phenotype. Last evaluated: 2015-06-25. Review status: criteria provided, single submitter. Criteria: Ambry Variant Classification Scheme 2023. Collection method: clinical testing. Allele origin: germline.

GeneDx
Classification: Benign. Last evaluated: 2015-03-03. Review status: criteria provided, single submitter. Criteria: GeneDx Variant Classification Process June 2021. Collection method: clinical testing. Allele origin: germline. Affected: yes.
Comment: This variant is associated with the following publications: (PMID: 25445213, 19863551, 27153395)

Mayo Clinic Laboratories, Mayo Clinic
Classification: Benign. Last evaluated: 2014-03-07. Review status: criteria provided, single submitter. Criteria: ACMG Guidelines, 2015. Collection method: clinical testing. Allele origin: germline. Observed: 374 variant alleles.

Biesecker Lab/Clinical Genomics Section, National Institutes of Health
Classification: Benign. Last evaluated: 2013-06-24. Review status: criteria provided, single submitter. Criteria: Ng et al. (Circ Cardiovasc Genet. 2013). Collection method: research. Allele origin: unknown. Observed: 257 variant alleles. Study: ClinSeq.
Comment: The study set was not selected for affection status in relation to any cancer. Pathogenicity categories were based on literature curation. See Pubmed ID:23861362 for details.

Medical sequencing

Laboratory for Molecular Medicine, Mass General Brigham Personalized Medicine
Classification: Benign. Last evaluated: 2007-11-16. Review status: criteria provided, single submitter. Criteria: LMM Criteria. Collection method: clinical testing. Allele origin: germline. Observed: 628 variant alleles.

PreventionGenetics, part of Exact Sciences
Classification: Benign. Review status: criteria provided, single submitter. Criteria: ACMG Guidelines, 2015. Collection method: clinical testing. Allele origin: germline.

Cohesion Phenomics
Classification: Benign for Cardiomyopathy. Last evaluated: 2022-09-23. Review status: no assertion criteria provided. Criteria: ACMG Guidelines, 2015. Collection method: clinical testing. Allele origin: germline. Affected: yes. Not counted in ClinVar's aggregate classification.

Clinical Genetics DNA and cytogenetics Diagnostics Lab, Erasmus MC, Erasmus Medical Center
Classification: Benign. Review status: no assertion criteria provided. Collection method: clinical testing. Allele origin: germline. Affected: yes. Study: VKGL Data-share Consensus. Not counted in ClinVar's aggregate classification.

Clinical Genetics, Academic Medical Center
Classification: Benign. Review status: no assertion criteria provided. Collection method: clinical testing. Allele origin: germline. Affected: yes. Study: VKGL Data-share Consensus. Not counted in ClinVar's aggregate classification.

Diagnostic Laboratory, Department of Genetics, University Medical Center Groningen
Classification: Benign. Review status: no assertion criteria provided. Collection method: clinical testing. Allele origin: germline. Affected: yes. Study: VKGL Data-share Consensus. Not counted in ClinVar's aggregate classification.

Genome Diagnostics Laboratory, University Medical Center Utrecht
Classification: Benign. Review status: no assertion criteria provided. Collection method: clinical testing. Allele origin: germline. Affected: yes. Study: VKGL Data-share Consensus. Not counted in ClinVar's aggregate classification.

Joint Genome Diagnostic Labs from Nijmegen and Maastricht, Radboudumc and MUMC+
Classification: Benign. Review status: no assertion criteria provided. Collection method: clinical testing. Allele origin: germline. Affected: yes. Study: VKGL Data-share Consensus. Not counted in ClinVar's aggregate classification.

NM_004415.4(DSP):c.5213G>A (p.Arg1738Gln)

Gene: DSP (desmoplakin; plus strand). Cytogenetic location: 6p24.3.
Variant type: single nucleotide variant.
Coding change: c.5213G>A on transcript NM_004415.4 (MANE Select); coding-DNA position 5213, G replaced by A.
Protein change: p.Arg1738Gln; replaces arginine 1738 with glutamine.
Molecular consequence: missense variant. On other transcripts: intron variant (2).
Genome position (GRCh38, 1-based): chr6:7,581,403, G>A. VCF-style: chr6-7581403-G-A. GRCh37 (hg19) VCF-style: chr6-7581636-G-A.
Other names: c.4050+1163G>A (NM_001319034.2); c.3583-1239G>A (NM_001008844.3); c.5213G>A (NM_004415.3); short protein forms R1738Q.
Identifiers: ClinVar variation 44925 (VCV000044925.49), dbSNP rs6929069, ClinGen allele CA004594.
Genomic context (GRCh38, chr6:7,581,403, plus strand): 5'-TGATGTTAGAAGAAGAACTGCGGAACCTGAGGCTGGAGTACGATGACCTGAGGAGAGGAC[G>A]AAGCGAAGCGGACAGTGATAAAAATGCAACCATCTTGGAACTAAGGAGCCAGCTGCAGAT-3'
Protein context (NP_004406.2, residues 1728-1748): RLEYDDLRRG[Arg1738Gln]SEADSDKNAT